The following is an entry in ClinVar:

NM_001283009.2(RTEL1):c.9del (p.Lys3_Ile4insTer)

Genes: RTEL1 (regulator of telomere elongation helicase 1; plus strand), RTEL1-TNFRSF6B (RTEL1-TNFRSF6B readthrough (NMD candidate); plus strand). Cytogenetic location: 20q13.33.
Variant type: Deletion.
Coding change: c.9del on transcript NM_001283009.2 (MANE Select); coding-DNA position 9, one base deleted (G; older notation c.9delG).
Protein change: p.Lys3_Ile4insTer.
Molecular consequence: frameshift variant. On other transcripts: non-coding transcript variant (1), intron variant (1).
Genome position (GRCh38, 1-based): chr20:63,659,411, G deleted. VCF-style (leftmost placement, unchanged base first): chr20-63659410-AG-A. GRCh37 (hg19) VCF-style: chr20-62290763-AG-A.
Other names: c.9del, p.Lys3_Ile4insTer (NM_016434.4, NM_032957.5); c.-568+952del (NM_001283010.1).
Identifiers: ClinVar variation 1048767 (VCV001048767.1), dbSNP rs2146141332, ClinGen allele CA2499225817.
Genomic context (GRCh38, chr20:63,659,410, plus strand): 5'-CCGAATAGCCTGCCCCTCAGCCACGCTCTGTGCCCTTCTGAGAACAGGCTGATATGCCCA[AG>A]ATAGTCCTGAATGGTGTGACCGTAGACTTCCCTTTCCAGCCCTACAAATGCCAACAGGAG-3'

ClinVar aggregate classification (germline): Pathogenic (1 of 4 stars; one submission).

Conditions:
Pulmonary fibrosis and/or bone marrow failure, Telomere-related, 3. Also called: PULMONARY FIBROSIS AND/OR BONE MARROW FAILURE SYNDROME, TELOMERE-RELATED, 3. Identifiers: Orphanet 2032, MedGen C4225346, MONDO:0014613, OMIM 616373.

Submission:

Johns Hopkins Genomics, Johns Hopkins University
Classification: Pathogenic for Pulmonary fibrosis and/or bone marrow failure, Telomere-related, 3. Last evaluated: 2021-03-29. Review status: criteria provided, single submitter. Criteria: ACMG Guidelines, 2015. Collection method: clinical testing. Allele origin: germline.
Comment: RTEL1 c.9delG is absent from a large population dataset and has not been reported in ClinVar nor the literature, to our knowledge. This frameshift variant is predicted to lead to a premature stop codon in exon 2 (the first coding exon) of RTEL1, likely leading to nonsense-mediated decay and lack of protein production. We consider RTEL1 c.9delG to be pathogenic.